The following is an entry in ClinVar:

ClinVar aggregate classification (germline): Uncertain significance (1 of 4 stars; one submission).

Allele frequency attached by ClinVar (database versions not stated): TOPMed 0.00003; ExAC 0.00005.
gnomAD v4.1: 26 of 1,559,962 alleles (0.0017%); highest among the groups gnomAD compares: Middle Eastern, 0.05%; no homozygotes.

Submission:

Labcorp Genetics (formerly Invitae), Labcorp
Classification: Uncertain significance. Last evaluated: 2024-02-17. Review status: criteria provided, single submitter. Criteria: Invitae Variant Classification Sherloc (09022015). Collection method: clinical testing. Allele origin: germline.
Comment: This sequence change replaces alanine, which is neutral and non-polar, with threonine, which is neutral and polar, at codon 256 of the SLC26A1 protein (p.Ala256Thr). The frequency data for this variant in the population databases is considered unreliable, as metrics indicate poor data quality at this position in the gnomAD database. This variant has not been reported in the literature in individuals affected with SLC26A1-related conditions. Advanced modeling of protein sequence and biophysical properties (such as structural, functional, and spatial information, amino acid conservation, physicochemical variation, residue mobility, and thermodynamic stability) performed at Invitae indicates that this missense variant is not expected to disrupt SLC26A1 protein function with a negative predictive value of 80%. In summary, the available evidence is currently insufficient to determine the role of this variant in disease. Therefore, it has been classified as a Variant of Uncertain Significance.

NM_022042.4(SLC26A1):c.766G>A (p.Ala256Thr)

Genes: IDUA (alpha-L-iduronidase; plus strand), SLC26A1 (solute carrier family 26 member 1; minus strand). Cytogenetic location: 4p16.3.
Variant type: single nucleotide variant.
Coding change: c.766G>A on transcript NM_022042.4 (MANE Select); coding-DNA position 766, G replaced by A.
Protein change: p.Ala256Thr; replaces alanine 256 with threonine.
Molecular consequence: missense variant. On other transcripts: intron variant (2).
Genome position (GRCh38, 1-based): chr4:990,173, C>T on the plus strand (G>A on the coding strand, the complement: SLC26A1 is on the minus strand). VCF-style: chr4-990173-C-T. GRCh37 (hg19) VCF-style: chr4-983961-C-T.
Other names: c.766G>A, p.Ala256Thr (NM_213613.4); c.576+955G>A (NM_134425.4); c.299+2224C>T (NM_000203.5); short protein forms A256T.
Identifiers: ClinVar variation 2755120 (VCV002755120.3), dbSNP rs751905449, ClinGen allele CA2801553.